The following is an entry in ClinVar:

ClinVar aggregate classification (germline): Uncertain significance. Review status: criteria provided, multiple submitters, no conflicts (2 of 4 stars). 2 submissions from 2 submitters: Uncertain significance (2). Last evaluated 2025-10-23.

Conditions:
Long QT syndrome (LQTS). Identifiers: MedGen C0023976, MeSH D008133, MONDO:0002442. Disease mechanism: loss of function. Inheritance: Various modes of inheritance.

gnomAD v4.1: 2 of 1,614,004 alleles (0.00012%); highest among the groups gnomAD compares: Non-Finnish European, 0.00017%; no homozygotes.

Submissions (2):

Labcorp Genetics (formerly Invitae), Labcorp
Classification: Uncertain significance for Long QT syndrome. Last evaluated: 2025-10-23. Review status: criteria provided, single submitter. Criteria: Invitae Variant Classification Sherloc (09022015). Collection method: clinical testing. Allele origin: germline.
Comment: This sequence change replaces tyrosine, which is neutral and polar, with cysteine, which is neutral and slightly polar, at codon 738 of the ANK2 protein (p.Tyr738Cys). This variant is not present in population databases (gnomAD no frequency). This missense change has been observed in individual(s) with ANK2-related conditions (PMID: 30564305). Invitae Evidence Modeling of protein sequence and biophysical properties (such as structural, functional, and spatial information, amino acid conservation, physicochemical variation, residue mobility, and thermodynamic stability) indicates that this missense variant is not expected to disrupt ANK2 protein function with a negative predictive value of 80%. In summary, the available evidence is currently insufficient to determine the role of this variant in disease. Therefore, it has been classified as a Variant of Uncertain Significance.

Blueprint Genetics
Classification: Uncertain significance. Last evaluated: 2024-06-06. Review status: criteria provided, single submitter. Criteria: ACMG Guidelines, 2015. Collection method: clinical testing. Allele origin: germline.

Literature cited by the submitters: PubMed 30564305 (cited by Labcorp Genetics (formerly Invitae), Labcorp).

NM_001148.6(ANK2):c.2213A>G (p.Tyr738Cys)

Gene: ANK2 (ankyrin 2; plus strand). Cytogenetic location: 4q26.
Variant type: single nucleotide variant.
Coding change: c.2213A>G on transcript NM_001148.6 (MANE Select); coding-DNA position 2213, A replaced by G.
Protein change: p.Tyr738Cys; replaces tyrosine 738 with cysteine.
Molecular consequence: missense variant.
Genome position (GRCh38, 1-based): chr4:113,288,422, A>G. VCF-style: chr4-113288422-A-G. GRCh37 (hg19) VCF-style: chr4-114209578-A-G.
Other names: c.2150A>G, p.Tyr717Cys (NM_001127493.3, NM_001354239.2, NM_001354243.2 and 10 more transcripts); c.2213A>G, p.Tyr738Cys (NM_001354225.2, NM_001354228.2, NM_001354232.2 and 6 more transcripts); c.2258A>G, p.Tyr753Cys (NM_001354230.2, NM_001354231.2, NM_001354237.2 and 5 more transcripts); c.2114A>G, p.Tyr705Cys (NM_001354245.2, NM_001354268.2); c.2126A>G, p.Tyr709Cys (NM_001354249.2, NM_001354264.2, NM_001354266.2 and 10 more transcripts); c.2051A>G, p.Tyr684Cys (NM_001354253.2, NM_001354257.2, NM_001354270.2 and 1 more transcripts); c.2027A>G, p.Tyr676Cys (NM_001354260.2, NM_001354271.2, NM_001386151.1); c.2171A>G, p.Tyr724Cys (NM_001354261.2, NM_001386147.1, NM_001386160.1); and 8 more; short protein forms Y610C, Y705C, Y734C, Y738C, Y668C, Y672C, Y726C, Y747C.
Identifiers: ClinVar variation 4746243 (VCV004746243.2).
Genomic context (GRCh38, chr4:113,288,422, plus strand): 5'-TTTTAACTTTTTATTATTATTTACAGCTTGGTTACACACCTTTAATTGTGGCCTGTCACT[A>G]TGGAAATGTGAAAATGGTCAACTTTCTTCTGAAGCAGGGAGCAAATGTTAACGCAAAAAC-3'
Protein context (NP_001139.3, residues 728-748): GYTPLIVACH[Tyr738Cys]GNVKMVNFLL